The following is an entry in ClinVar:

ClinVar aggregate classification (germline): Uncertain significance. Review status: criteria provided, multiple submitters, no conflicts (2 of 4 stars). 2 submissions from 2 submitters: Uncertain significance (2). Last evaluated 2024-03-15.

Conditions:
Inborn genetic diseases. Identifiers: MedGen C0950123, MeSH D030342.
Glycogen storage disease, type VII (GSD7). Also called: TARUI DISEASE; PFKM DEFICIENCY; GSD VII; MUSCLE PHOSPHOFRUCTOKINASE DEFICIENCY. Identifiers: Orphanet 371, MedGen C0017926, MONDO:0009295, OMIM 232800.

Allele frequency attached by ClinVar (database versions not stated): gnomAD exomes 0.00001; gnomAD 0.00005 and 0.00006; TOPMed 0.00005.
gnomAD v4.1: 14 of 1,614,082 alleles (0.00087%); highest among the groups gnomAD compares: Admixed American, 0.012%; no homozygotes.

Submissions (2):

Ambry Genetics
Classification: Uncertain significance for Inborn genetic diseases. Last evaluated: 2024-03-15. Review status: criteria provided, single submitter. Criteria: Ambry Variant Classification Scheme 2023. Collection method: clinical testing. Allele origin: germline.

Labcorp Genetics (formerly Invitae), Labcorp
Classification: Uncertain significance for Glycogen storage disease, type VII. Last evaluated: 2021-08-20. Review status: criteria provided, single submitter. Criteria: Invitae Variant Classification Sherloc (09022015). Collection method: clinical testing. Allele origin: germline.
Comment: This sequence change replaces isoleucine with valine at codon 770 of the PFKM protein (p.Ile770Val). The isoleucine residue is moderately conserved and there is a small physicochemical difference between isoleucine and valine. This variant is not present in population databases (ExAC no frequency). This variant has not been reported in the literature in individuals affected with PFKM-related conditions. Algorithms developed to predict the effect of missense changes on protein structure and function output the following: SIFT: "Tolerated"; PolyPhen-2: "Benign"; Align-GVGD: "Class C0". The valine amino acid residue is found in multiple mammalian species, which suggests that this missense change does not adversely affect protein function. In summary, the available evidence is currently insufficient to determine the role of this variant in disease. Therefore, it has been classified as a Variant of Uncertain Significance.

NM_000289.6(PFKM):c.2308A>G (p.Ile770Val)

Gene: PFKM (phosphofructokinase, muscle; plus strand). Cytogenetic location: 12q13.11.
Variant type: single nucleotide variant.
Coding change: c.2308A>G on transcript NM_000289.6 (MANE Select); coding-DNA position 2308, A replaced by G.
Protein change: p.Ile770Val; replaces isoleucine 770 with valine.
Molecular consequence: missense variant. On other transcripts: non-coding transcript variant (6).
Genome position (GRCh38, 1-based): chr12:48,145,673, A>G. VCF-style: chr12-48145673-A-G. GRCh37 (hg19) VCF-style: chr12-48539456-A-G.
Other names: c.2308A>G (NM_000289.5); c.2521A>G, p.Ile841Val (NM_001166686.2, NM_001354737.1, NM_001354738.1 and 1 more transcripts); c.2308A>G, p.Ile770Val (NM_001166687.2, NM_001166688.2, NM_001354742.2 and 2 more transcripts); c.2617A>G, p.Ile873Val (NM_001354735.1, NM_001354736.1); c.2452A>G, p.Ile818Val (NM_001354740.1); c.2332A>G, p.Ile778Val (NM_001354741.2); c.2221A>G, p.Ile741Val (NM_001354745.2); c.2182A>G, p.Ile728Val (NM_001354746.2); and 2 more; short protein forms I778V, I873V, I739V, I720V, I728V, I741V, I818V, I841V.
Identifiers: ClinVar variation 1426024 (VCV001426024.6), dbSNP rs950246136, ClinGen allele CA236520043.